The following is an entry in ClinVar:

ClinVar aggregate classification (germline): Uncertain significance. Review status: criteria provided, multiple submitters, no conflicts (2 of 4 stars). 2 submissions from 2 submitters: Uncertain significance (2). Last evaluated 2024-05-10.

Conditions:
Kabuki syndrome. Also called: NIIKAWA-KUROKI SYNDROME; Kabuki make-up syndrome. Identifiers: Orphanet 2322, MedGen C0796004, MONDO:0016512.

Allele frequency attached by ClinVar (database versions not stated): gnomAD exomes below 0.00001 and 0.00001; ExAC 0.00001; gnomAD 0.00001; TOPMed 0.00002.
gnomAD v4.1: 13 of 1,613,638 alleles (0.00081%); highest among the groups gnomAD compares: Non-Finnish European, 0.0011%; no homozygotes.

Submissions (2):

Labcorp Genetics (formerly Invitae), Labcorp
Classification: Uncertain significance for Kabuki syndrome. Last evaluated: 2024-05-10. Review status: criteria provided, single submitter. Criteria: Invitae Variant Classification Sherloc (09022015). Collection method: clinical testing. Allele origin: germline.
Comment: This sequence change replaces asparagine, which is neutral and polar, with isoleucine, which is neutral and non-polar, at codon 2025 of the KMT2D protein (p.Asn2025Ile). This variant is present in population databases (rs746933896, gnomAD 0.0009%). This variant has not been reported in the literature in individuals affected with KMT2D-related conditions. ClinVar contains an entry for this variant (Variation ID: 1320512). Advanced modeling of protein sequence and biophysical properties (such as structural, functional, and spatial information, amino acid conservation, physicochemical variation, residue mobility, and thermodynamic stability) performed at Invitae indicates that this missense variant is expected to disrupt KMT2D protein function with a positive predictive value of 95%. In summary, the available evidence is currently insufficient to determine the role of this variant in disease. Therefore, it has been classified as a Variant of Uncertain Significance.

GeneDx
Classification: Uncertain significance. Last evaluated: 2021-05-04. Review status: criteria provided, single submitter. Criteria: GeneDx Variant Classification Process June 2021. Collection method: clinical testing. Allele origin: germline. Affected: yes.
Comment: In silico analysis supports that this missense variant has a deleterious effect on protein structure/function; Has not been previously published as pathogenic or benign to our knowledge

NM_003482.4(KMT2D):c.6074A>T (p.Asn2025Ile)

Gene: KMT2D (lysine methyltransferase 2D; minus strand). Cytogenetic location: 12q13.12.
Variant type: single nucleotide variant.
Coding change: c.6074A>T on transcript NM_003482.4 (MANE Select); coding-DNA position 6074, A replaced by T.
Protein change: p.Asn2025Ile; replaces asparagine 2025 with isoleucine.
Molecular consequence: missense variant.
Genome position (GRCh38, 1-based): chr12:49,042,124, T>A on the plus strand (A>T on the coding strand, the complement: KMT2D is on the minus strand). VCF-style: chr12-49042124-T-A. GRCh37 (hg19) VCF-style: chr12-49435907-T-A.
Other names: short protein forms N2025I.
Identifiers: ClinVar variation 1320512 (VCV001320512.4), dbSNP rs746933896, ClinGen allele CA6547379.